The following is an entry in ClinVar:

NM_000136.3(FANCC):c.1547C>T (p.Ala516Val)

Genes: AOPEP (aminopeptidase O (putative); plus strand), FANCC (FA complementation group C; minus strand). Cytogenetic location: 9q22.32.
Variant type: single nucleotide variant.
Coding change: c.1547C>T on transcript NM_000136.3 (MANE Select); coding-DNA position 1547, C replaced by T.
Protein change: p.Ala516Val; replaces alanine 516 with valine.
Molecular consequence: missense variant.
Genome position (GRCh38, 1-based): chr9:95,101,837, G>A on the plus strand (C>T on the coding strand, the complement: FANCC is on the minus strand). VCF-style: chr9-95101837-G-A. GRCh37 (hg19) VCF-style: chr9-97864119-G-A.
Other names: c.1547C>T, p.Ala516Val (NM_001243743.2); short protein forms A516V.
Identifiers: ClinVar variation 3848318 (VCV003848318.1).

ClinVar aggregate classification (germline): Uncertain significance (1 of 4 stars; one submission).

Conditions:
Hereditary cancer-predisposing syndrome. Also called: Hereditary neoplastic syndrome; Neoplastic Syndromes, Hereditary; Tumor predisposition; Hereditary Cancer Syndrome. Identifiers: Orphanet 140162, MedGen C0027672, MeSH D009386, MONDO:0015356.

Submission:

Ambry Genetics
Classification: Uncertain significance for Hereditary cancer-predisposing syndrome. Last evaluated: 2025-03-07. Review status: criteria provided, single submitter. Criteria: Ambry Variant Classification Scheme 2023. Collection method: clinical testing. Allele origin: germline.
Comment: The p.A516V variant (also known as c.1547C>T), located in coding exon 14 of the FANCC gene, results from a C to T substitution at nucleotide position 1547. The alanine at codon 516 is replaced by valine, an amino acid with similar properties. This amino acid position is conserved. In addition, this alteration is predicted to be tolerated by in silico analysis. Based on the available evidence, the clinical significance of this variant remains unclear.